The following is an entry in ClinVar:

NM_000350.3(ABCA4):c.1654G>A (p.Val552Ile)

Gene: ABCA4 (ATP binding cassette subfamily A member 4; minus strand). Cytogenetic location: 1p22.1.
Variant type: single nucleotide variant.
Coding change: c.1654G>A on transcript NM_000350.3 (MANE Select); coding-DNA position 1654, G replaced by A.
Protein change: p.Val552Ile; replaces valine 552 with isoleucine.
Molecular consequence: missense variant.
Genome position (GRCh38, 1-based): chr1:94,063,218, C>T on the plus strand (G>A on the coding strand, the complement: ABCA4 is on the minus strand). VCF-style: chr1-94063218-C-T. GRCh37 (hg19) VCF-style: chr1-94528774-C-T.
Other names: NM_000350.3(ABCA4):c.1654G>A; c.1654G>A, p.Val552Ile (NM_001425324.1); short protein forms V552I.
Identifiers: ClinVar variation 193990 (VCV000193990.66), dbSNP rs145525174, ClinGen allele CA239745.

ClinVar aggregate classification (germline): Likely benign. Review status: reviewed by expert panel (3 of 4 stars). 9 submissions from 9 submitters: Likely benign (1). 8 of the submissions do not count toward it. Last evaluated 2026-05-26.

Conditions:
ABCA4-related retinopathy. Also called: ABCA4-related retinoapthy; ABCA4 retinoapthy. Identifiers: MedGen CN322612, MONDO:0800406.
ABCA4-related disorder. Also called: ABCA4-related condition; ABCA4-related disorders. Identifiers: MedGen CN239167.
Retinal dystrophy. Also called: Inherited retinal dystrophy. Identifiers: Orphanet 71862, MedGen C0854723, MeSH D058499, MONDO:0019118, HP:0000556.
Severe early-childhood-onset retinal dystrophy (STGD1). Also called: Stargardt macular dystrophy; Juvenile onset macular degeneration; Stargardt disease 1; MACULAR DYSTROPHY WITH FLECKS, TYPE 1; STGD. Identifiers: Orphanet 364055, Orphanet 827, MedGen C1855465, MeSH D000080362, MONDO:0009549, OMIM 248200.

Allele frequency attached by ClinVar (database versions not stated): 1000 Genomes Project 0.00060; 1000 Genomes Project 30x 0.00078; TOPMed 0.00227; gnomAD 0.00243 and 0.00246; ExAC 0.00264; ESP Exome Variant Server 0.00269; gnomAD exomes 0.00269 and 0.00391.
gnomAD v4.1: 5,986 of 1,614,084 alleles (0.37%); highest among the groups gnomAD compares: Non-Finnish European, 0.46%; 16 homozygotes.

Submissions (9):

ClinGen ABCA4 Variant Curation Expert Panel, Clingen
Classification: Likely benign for ABCA4-related retinopathy. Last evaluated: 2026-05-26. Review status: reviewed by expert panel. Criteria: ClinGen ABCA4 ACMG Specifications V1.0.0. Collection method: curation. Allele origin: germline. Inheritance: Autosomal recessive inheritance.
Comment: The NM_000350.3(ABCA4):c.1654G>A variant in ABCA4 is a missense variant predicted to cause substitution of valine by isoleucine at amino acid 552; p.Val552Ile. The GroupMax filtering allele frequency in gnomAD v4.1.0 is 0.004481, which is greater than the ClinGen ABCA4 VCEP’s threshold for BS1_Supporting (>0.00163). The computational predictor REVEL gives a score of 0.685 which is in the range of 0.644-0.772 meeting PP3. ABCA4 expression and ATPase activity in HEK293 cells showed expression close to WT levels and only a modest reduction in ATPase activity, indicating that this variant does not impact protein function (BS3_Supporting; PMID: 29847635). In summary, this variant meets the criteria to be classified as likely benign for ABCA4-related retinopathy based on the ACMG/AMP criteria applied, as specified by the ClinGen ABCA4 VCEP (Specification Version 1.0.0): BS1_Supporting, BS3_Supporting, PP3.

Kasturba Medical College, Manipal, Kasturba Medical College, Manipal, Manipal Academy of Higher Education, Manipal, India
Classification: Benign for Severe early-childhood-onset retinal dystrophy. Last evaluated: 2026-07-30. Review status: criteria provided, single submitter. Criteria: ACMG Guidelines, 2015. Collection method: research. Allele origin: maternal. Inheritance: Autosomal recessive inheritance. Affected: yes. Observed: 1 variant allele, 1 heterozygote. Not counted in ClinVar's aggregate classification.
Comment: This variant is present in the heterozygous state in 5986 individuals and in the homozygous state in 16 individuals in gnomAD v4.1.1. The variant is present in 18 individuals in heterozygous state and absent in homozygous state in our in-house database of 4276 exomes. This variant has been reported in trans with a pathogenic variant in an individual with ABCA4-related disorder (Tracewska et al., 2019). Functional studies demonstrate near-normal protein expression, intracellular localization, substrate binding, and ATP-dependent function, with a mild reduction in ATPase activity, supporting a hypomorphic effect (Garces et al., 2019).

CeGaT Center for Human Genetics Tuebingen
Classification: Likely benign. Last evaluated: 2026-04-01. Review status: criteria provided, single submitter. Criteria: CeGaT Center For Human Genetics Tuebingen Variant Classification Criteria Version 2. Collection method: clinical testing. Allele origin: germline. Affected: yes. Observed: 10 variant alleles. Not counted in ClinVar's aggregate classification.
Comment: ABCA4: BS2

Labcorp Genetics (formerly Invitae), Labcorp
Classification: Benign. Last evaluated: 2026-01-26. Review status: criteria provided, single submitter. Criteria: Invitae Variant Classification Sherloc (09022015). Collection method: clinical testing. Allele origin: germline. Not counted in ClinVar's aggregate classification.

Blueprint Genetics
Classification: Likely benign. Last evaluated: 2024-11-21. Review status: criteria provided, single submitter. Criteria: ACMG Guidelines, 2015. Collection method: clinical testing. Allele origin: germline. Not counted in ClinVar's aggregate classification.

Institute of Human Genetics, Univ. Regensburg, Univ. Regensburg
Classification: Likely benign for Retinal dystrophy. Last evaluated: 2023-01-01. Review status: criteria provided, single submitter. Criteria: ACMG Guidelines, 2015. Collection method: clinical testing. Allele origin: germline. Affected: yes. Not counted in ClinVar's aggregate classification.

GeneDx
Classification: Likely benign. Last evaluated: 2020-02-05. Review status: criteria provided, single submitter. Criteria: GeneDx Variant Classification Process June 2021. Collection method: clinical testing. Allele origin: germline. Affected: yes. Not counted in ClinVar's aggregate classification.
Comment: In silico analysis supports that this missense variant does not alter protein structure/function; This variant is associated with the following publications: (PMID: 29386879, 31766579, 28559085, 30718709, 29925512, 19243736, 19028736, 10958763, 22229821, 29555955, 29847635, 28118664, 26593885, 26720470, 18024811, 24265693)

Illumina Laboratory Services, Illumina
Classification: Likely benign for ABCA4-Related Disorders. Last evaluated: 2017-04-27. Review status: criteria provided, single submitter. Criteria: ICSL Variant Classification Criteria 13 December 2019. Collection method: clinical testing. Allele origin: germline. Not counted in ClinVar's aggregate classification.
Comment: This variant was observed as part of a predisposition screen in an ostensibly healthy population. A literature search was performed for the gene, cDNA change, and amino acid change (where applicable). No publications were found based on this search. Allele frequency data from public databases allowed determination this variant is unlikely to cause disease. Therefore, this variant is classified as likely benign.

Eurofins Ntd Llc (ga)
Classification: Likely benign. Last evaluated: 2017-01-09. Review status: criteria provided, single submitter. Criteria: EGL Classification Definitions 2015. Collection method: clinical testing. Allele origin: germline. Observed: 7 variant alleles, 7 heterozygotes. Not counted in ClinVar's aggregate classification.

Literature cited by the submitters: PubMed 31766579 (cited by Kasturba Medical College, Manipal, Kasturba Medical College, Manipal, Manipal Academy of Higher Education, Manipal, India); PubMed 29847635 (cited by Kasturba Medical College, Manipal, Kasturba Medical College, Manipal, Manipal Academy of Higher Education, Manipal, India and Institute of Human Genetics, Univ. Regensburg, Univ. Regensburg); PubMed 18024811 (cited by Institute of Human Genetics, Univ. Regensburg, Univ. Regensburg); PubMed 24265693 (cited by Institute of Human Genetics, Univ. Regensburg, Univ. Regensburg); PubMed 26720470 (cited by Institute of Human Genetics, Univ. Regensburg, Univ. Regensburg); PubMed 26593885 (cited by Institute of Human Genetics, Univ. Regensburg, Univ. Regensburg); PubMed 28118664 (cited by Institute of Human Genetics, Univ. Regensburg, Univ. Regensburg); PubMed 28559085 (cited by Institute of Human Genetics, Univ. Regensburg, Univ. Regensburg); PubMed 29555955 (cited by Institute of Human Genetics, Univ. Regensburg, Univ. Regensburg); PubMed 29925512 (cited by Institute of Human Genetics, Univ. Regensburg, Univ. Regensburg); PubMed 30718709 (cited by Institute of Human Genetics, Univ. Regensburg, Univ. Regensburg); PubMed 31429209 (cited by Institute of Human Genetics, Univ. Regensburg, Univ. Regensburg); PubMed 32307445 (cited by Institute of Human Genetics, Univ. Regensburg, Univ. Regensburg); PubMed 33706644 (cited by Institute of Human Genetics, Univ. Regensburg, Univ. Regensburg).